The following is an entry in ClinVar:

ClinVar aggregate classification (germline): Uncertain significance (1 of 4 stars; one submission).

Submission:

Labcorp Genetics (formerly Invitae), Labcorp
Classification: Uncertain significance. Last evaluated: 2022-03-25. Review status: criteria provided, single submitter. Criteria: Invitae Variant Classification Sherloc (09022015). Collection method: clinical testing. Allele origin: germline.
Comment: In summary, the available evidence is currently insufficient to determine the role of this variant in disease. Therefore, it has been classified as a Variant of Uncertain Significance. This variant has not been reported in the literature in individuals affected with FGF20-related conditions. A copy number gain of the genomic region encompassing the full coding sequence of the FGF20 gene has been identified. The boundaries of this event are unknown as they extend beyond the assayed region for this gene and therefore may encompass additional genes. As the precise location of this event is unknown, it may be in tandem or it may be located elsewhere in the genome.

NC_000008.10:g.(?_16850399)_(17885171_?)dup

Genes: CNOT7 (CCR4-NOT transcription complex subunit 7; minus strand), FGF20 (fibroblast growth factor 20; minus strand), FGL1 (fibrinogen like 1; minus strand), MICU3 (mitochondrial calcium uptake family member 3; plus strand), MTMR7 (myotubularin related protein 7; minus strand) and 6 more. Cytogenetic location: 8p22.
Variant type: Duplication.
Identifiers: ClinVar variation 2426516 (VCV002426516.4).